The following is an entry in ClinVar:

NM_005560.6(LAMA5):c.2528C>T (p.Pro843Leu)

Gene: LAMA5 (laminin subunit alpha 5; minus strand). Cytogenetic location: 20q13.33.
Variant type: single nucleotide variant.
Coding change: c.2528C>T on transcript NM_005560.6 (MANE Select); coding-DNA position 2528, C replaced by T.
Protein change: p.Pro843Leu; replaces proline 843 with leucine.
Molecular consequence: missense variant.
Genome position (GRCh38, 1-based): chr20:62,334,576, G>A on the plus strand (C>T on the coding strand, the complement: LAMA5 is on the minus strand). VCF-style: chr20-62334576-G-A. GRCh37 (hg19) VCF-style: chr20-60909632-G-A.
Other names: short protein forms P843L.
Identifiers: ClinVar variation 3631898 (VCV003631898.2).

ClinVar aggregate classification (germline): Uncertain significance (1 of 4 stars; one submission).

gnomAD v4.1: 4 of 1,548,478 alleles (0.00026%); highest among the groups gnomAD compares: Non-Finnish European, 0.00026%; no homozygotes.

Submission:

Labcorp Genetics (formerly Invitae), Labcorp
Classification: Uncertain significance. Last evaluated: 2024-04-16. Review status: criteria provided, single submitter. Criteria: Invitae Variant Classification Sherloc (09022015). Collection method: clinical testing. Allele origin: germline.
Comment: This sequence change replaces proline, which is neutral and non-polar, with leucine, which is neutral and non-polar, at codon 843 of the LAMA5 protein (p.Pro843Leu). This variant is not present in population databases (gnomAD no frequency). This variant has not been reported in the literature in individuals affected with LAMA5-related conditions. Algorithms developed to predict the effect of missense changes on protein structure and function output the following: SIFT: "Not Available"; PolyPhen-2: "Benign"; Align-GVGD: "Not Available". The leucine amino acid residue is found in multiple mammalian species, which suggests that this missense change does not adversely affect protein function. In summary, the available evidence is currently insufficient to determine the role of this variant in disease. Therefore, it has been classified as a Variant of Uncertain Significance.